The following is an entry in ClinVar:

ClinVar aggregate classification (germline): Uncertain significance (1 of 4 stars; one submission).

Conditions:
Neurodevelopmental disorder with or without early-onset generalized epilepsy. Identifiers: MedGen C5436914, MONDO:0030930, OMIM 619157.

Submission:

Neuberg Centre For Genomic Medicine, NCGM
Classification: Uncertain significance for Neurodevelopmental disorder with or without early-onset generalized epilepsy. Last evaluated: 2023-05-20. Review status: criteria provided, single submitter. Criteria: ACMG Guidelines, 2015. Collection method: clinical testing. Allele origin: germline. Inheritance: Autosomal dominant inheritance. Affected: yes.
Comment: The observed missense variant c.467A>C (p.Glu156Ala) in the NBEA gene has not been reported previously as a pathogenic variant nor as a benign variant, to our knowledge. This variant is absent in the gnomAD Exomes. The amino acid Glutamic acid at position 156 is changed to a Alanine changing protein sequence and it might alter its composition and physico-chemical properties. Multiple lines of computational evidence (Polyphen - Damaging, SIFT - Damaging and MutationTaster - Disease causing) predict a damaging effect on protein structure and function for this variant. The residue is conserved by GERP++ and PhyloP across 100 vertebrates. For these reasons, this variant has been classified as Uncertain Significance.

NM_001385012.1(NBEA):c.467A>C (p.Glu156Ala)

Gene: NBEA (neurobeachin; plus strand). Cytogenetic location: 13q13.3.
Variant type: single nucleotide variant.
Coding change: c.467A>C on transcript NM_001385012.1 (MANE Select); coding-DNA position 467, A replaced by C.
Protein change: p.Glu156Ala; replaces glutamic acid 156 with alanine.
Molecular consequence: missense variant.
Genome position (GRCh38, 1-based): chr13:35,041,105, A>C. VCF-style: chr13-35041105-A-C. GRCh37 (hg19) VCF-style: chr13-35615242-A-C.
Other names: c.467A>C, p.Glu156Ala (NM_001379245.1, NM_015678.5); short protein forms E156A.
Identifiers: ClinVar variation 3341425 (VCV003341425.1).